The following is an entry in ClinVar:

NM_000475.5(NR0B1):c.1301del (p.Phe434fs)

Gene: NR0B1 (nuclear receptor subfamily 0 group B member 1; minus strand). Cytogenetic location: Xp21.2.
Variant type: Deletion.
Coding change: c.1301del on transcript NM_000475.5 (MANE Select); coding-DNA position 1301, one base deleted (T; older notation c.1301delT).
Protein change: p.Phe434fs; shifts the reading frame from phenylalanine 434.
Molecular consequence: frameshift variant.
Genome position (GRCh38, 1-based): chrX:30,304,691, A deleted on the plus strand (T on the coding strand, the reverse complement: NR0B1 is on the minus strand); the first of 4 consecutive A bases (chrX:30,304,691-30,304,694); deleting any one gives the same sequence. VCF-style (leftmost placement, unchanged base first): chrX-30304690-GA-G. GRCh37 (hg19) VCF-style: chrX-30322807-GA-G.
Other names: short protein forms F434fs.
Identifiers: ClinVar variation 279854 (VCV000279854.2), dbSNP rs886041215, ClinGen allele CA10603722.

ClinVar aggregate classification (germline): Pathogenic (1 of 4 stars; one submission).

Submission:

GeneDx
Classification: Pathogenic. Last evaluated: 2016-05-20. Review status: criteria provided, single submitter. Criteria: GeneDx Variant Classification (06012015). Collection method: clinical testing. Allele origin: germline. Affected: yes.
Comment: The c.1301delT variant causes a frameshift starting with codon Phenylalanine 434, changes this amino acid to a Serine residue, and creates a premature Stop codon at position 3 of the new reading frame, denoted p.Phe434SerfsX3. This variant is predicted to cause loss of normal protein function through protein truncation. The c.1301delT variant was not observed in approximately 6,500 individuals of European and African American ancestry in the NHLBI Exome Sequencing Project, indicating it is not a common benign variant in these populations. We interpret c.1301delT as a pathogenic variant.